The following is an entry in ClinVar:

NM_024928.5(STN1):c.1025C>T (p.Ala342Val)

Gene: STN1 (STN1 subunit of CST complex; minus strand). Cytogenetic location: 10q24.33.
Variant type: single nucleotide variant.
Coding change: c.1025C>T on transcript NM_024928.5 (MANE Select); coding-DNA position 1025, C replaced by T.
Protein change: p.Ala342Val; replaces alanine 342 with valine.
Molecular consequence: missense variant.
Genome position (GRCh38, 1-based): chr10:103,882,766, G>A on the plus strand (C>T on the coding strand, the complement: STN1 is on the minus strand). VCF-style: chr10-103882766-G-A. GRCh37 (hg19) VCF-style: chr10-105642524-G-A.
Other names: short protein forms A342V.
Identifiers: ClinVar variation 2011901 (VCV002011901.4), dbSNP rs2493018187, ClinGen allele CA378042652.

ClinVar aggregate classification (germline): Uncertain significance (1 of 4 stars; one submission).

Submission:

Labcorp Genetics (formerly Invitae), Labcorp
Classification: Uncertain significance. Last evaluated: 2024-10-26. Review status: criteria provided, single submitter. Criteria: Invitae Variant Classification Sherloc (09022015). Collection method: clinical testing. Allele origin: germline.
Comment: This sequence change replaces alanine, which is neutral and non-polar, with valine, which is neutral and non-polar, at codon 342 of the STN1 protein (p.Ala342Val). This variant is not present in population databases (gnomAD no frequency). This variant has not been reported in the literature in individuals affected with STN1-related conditions. ClinVar contains an entry for this variant (Variation ID: 2011901). Invitae Evidence Modeling of protein sequence and biophysical properties (such as structural, functional, and spatial information, amino acid conservation, physicochemical variation, residue mobility, and thermodynamic stability) indicates that this missense variant is not expected to disrupt STN1 protein function with a negative predictive value of 80%. In summary, the available evidence is currently insufficient to determine the role of this variant in disease. Therefore, it has been classified as a Variant of Uncertain Significance.